The following is an entry in ClinVar:

ClinVar aggregate classification (germline): Conflicting classifications of pathogenicity. Review status: criteria provided, conflicting classifications (1 of 4 stars). 4 submissions from 4 submitters: Uncertain significance (3); Likely benign (1). Last evaluated 2024-11-06.

Allele frequency attached by ClinVar (database versions not stated): TOPMed 0.00041.
gnomAD v4.1: 1,268 of 1,549,256 alleles (0.082%); highest among the groups gnomAD compares: Non-Finnish European, 0.1%; 2 homozygotes.

Submissions (4):

Blueprint Genetics
Classification: Uncertain significance. Last evaluated: 2024-11-06. Review status: criteria provided, single submitter. Criteria: ACMG Guidelines, 2015. Collection method: clinical testing. Allele origin: germline.

Labcorp Genetics (formerly Invitae), Labcorp
Classification: Uncertain significance. Last evaluated: 2022-06-08. Review status: criteria provided, single submitter. Criteria: Invitae Variant Classification Sherloc (09022015). Collection method: clinical testing. Allele origin: germline.
Comment: This sequence change replaces arginine, which is basic and polar, with leucine, which is neutral and non-polar, at codon 2072 of the OTOG protein (p.Arg2072Leu). This variant is present in population databases (rs188527711, gnomAD 0.1%), and has an allele count higher than expected for a pathogenic variant. This variant has not been reported in the literature in individuals affected with OTOG-related conditions. ClinVar contains an entry for this variant (Variation ID: 229097). Algorithms developed to predict the effect of missense changes on protein structure and function are either unavailable or do not agree on the potential impact of this missense change (SIFT: "Tolerated"; PolyPhen-2: "Probably Damaging"; Align-GVGD: "Class C0"). In summary, the available evidence is currently insufficient to determine the role of this variant in disease. Therefore, it has been classified as a Variant of Uncertain Significance.

GeneDx
Classification: Likely benign. Last evaluated: 2021-05-13. Review status: criteria provided, single submitter. Criteria: GeneDx Variant Classification Process June 2021. Collection method: clinical testing. Allele origin: germline. Affected: yes.

Laboratory for Molecular Medicine, Mass General Brigham Personalized Medicine
Classification: Uncertain significance. Last evaluated: 2017-12-07. Review status: criteria provided, single submitter. Criteria: LMM Criteria. Collection method: clinical testing. Allele origin: germline. Observed: 2 variant alleles.
Comment: Variant classified as Uncertain Significance - Favor Benign. The p.Arg2072Leu va riant in OTOG has now been identified by our laboratory in 2 Caucasian individua l with hearing loss; however, one of these individuals carried variants in a dif ferent gene that were sufficient to explain their hearing loss. This variant has also been identified in 0.1% (73/66920) of European chromosomes, including 1 ho mozygous individual, by the Genome Aggregation Database (gnomAD; rs188527711). Although this variant has been seen in the gene ral population, its frequency is not high enough to rule out a pathogenic role. Computational prediction tools and conservation analysis do not provide strong s upport for or against an impact to the protein. In summary, while the clinical s ignificance of the p.Arg2072Leu variant is uncertain, these data suggest that it is more likely to be benign. ACMG/AMP criteria applied: BP5.

NM_001292063.2(OTOG):c.6179G>T (p.Arg2060Leu)

Gene: OTOG (otogelin; plus strand). Cytogenetic location: 11p15.1.
Variant type: single nucleotide variant.
Coding change: c.6179G>T on transcript NM_001292063.2 (MANE Select); coding-DNA position 6179, G replaced by T.
Protein change: p.Arg2060Leu; replaces arginine 2060 with leucine.
Molecular consequence: missense variant.
Genome position (GRCh38, 1-based): chr11:17,612,217, G>T. VCF-style: chr11-17612217-G-T. GRCh37 (hg19) VCF-style: chr11-17633764-G-T.
Other names: c.6215G>T, p.Arg2072Leu (NM_001277269.2); short protein forms R2072L, R2060L.
Identifiers: ClinVar variation 229097 (VCV000229097.14), dbSNP rs188527711, ClinGen allele CA5906001.